The following is an entry in ClinVar:

NM_012330.4(KAT6B):c.4807G>A (p.Val1603Ile)

Gene: KAT6B (lysine acetyltransferase 6B; plus strand). Cytogenetic location: 10q22.2.
Variant type: single nucleotide variant.
Coding change: c.4807G>A on transcript NM_012330.4 (MANE Select); coding-DNA position 4807, G replaced by A.
Protein change: p.Val1603Ile; replaces valine 1603 with isoleucine.
Molecular consequence: missense variant.
Genome position (GRCh38, 1-based): chr10:75,029,631, G>A. VCF-style: chr10-75029631-G-A. GRCh37 (hg19) VCF-style: chr10-76789389-G-A.
Other names: c.4258G>A, p.Val1420Ile (NM_001256468.2, NM_001370138.1); c.3931G>A, p.Val1311Ile (NM_001256469.2, NM_001370139.1, NM_001370140.1 and 2 more transcripts); c.3769G>A, p.Val1257Ile (NM_001370132.1); c.3118G>A, p.Val1040Ile (NM_001370133.1); c.2722G>A, p.Val908Ile (NM_001370134.1); c.2464G>A, p.Val822Ile (NM_001370135.1); c.4807G>A, p.Val1603Ile (NM_001370136.1, NM_001370137.1); c.3742G>A, p.Val1248Ile (NM_001370143.1, NM_001370144.1); short protein forms V1603I, V1040I, V1257I, V1420I, V822I, V908I, V1248I, V1311I.
Identifiers: ClinVar variation 439844 (VCV000439844.15), dbSNP rs142688976, ClinGen allele CA5565101.

ClinVar aggregate classification (germline): Uncertain significance. Review status: criteria provided, multiple submitters, no conflicts (2 of 4 stars). 3 submissions from 3 submitters: Uncertain significance (3). Last evaluated 2025-06-12.

Conditions:
Genitopatellar syndrome (GTPTS). Also called: Genitopatellar syndrome (GPS); ABSENT PATELLAE, SCROTAL HYPOPLASIA, RENAL ANOMALIES, FACIAL DYSMORPHISM, AND MENTAL RETARDATION. Identifiers: Orphanet 85201, MedGen C1853566, MONDO:0011640, OMIM 606170.
Blepharophimosis - intellectual disability syndrome, SBBYS type (SBBYSS). Also called: Ohdo syndrome, SBBYS variant; SBBYSS syndrome; Say-Barber-Biesecker-Young-Simpson variant of Ohdo Syndrome; Say-Barber-Biesecker Variant of Ohdo Syndrome; Say-Barber-Biesecker variant of Ohdo syndrome (SBBYSS); Say-Barber-Biesecker-Young-Simpson syndrome. Identifiers: Orphanet 3047, MedGen C1863557, MONDO:0011365, OMIM 603736.

Allele frequency attached by ClinVar (database versions not stated): gnomAD exomes 0.00001 and 0.00002; ExAC 0.00003; gnomAD 0.00006 and 0.00007; TOPMed 0.00007; ESP Exome Variant Server 0.00008.
gnomAD v4.1: 31 of 1,614,078 alleles (0.0019%); highest among the groups gnomAD compares: African/African-American, 0.017%; no homozygotes.

Submissions (3):

Labcorp Genetics (formerly Invitae), Labcorp
Classification: Uncertain significance for Genitopatellar syndrome. Last evaluated: 2025-06-12. Review status: criteria provided, single submitter. Criteria: Invitae Variant Classification Sherloc (09022015). Collection method: clinical testing. Allele origin: germline.
Comment: This sequence change replaces valine, which is neutral and non-polar, with isoleucine, which is neutral and non-polar, at codon 1603 of the KAT6B protein (p.Val1603Ile). This variant is present in population databases (rs142688976, gnomAD 0.02%). This variant has not been reported in the literature in individuals affected with KAT6B-related conditions. ClinVar contains an entry for this variant (Variation ID: 439844). Invitae Evidence Modeling of protein sequence and biophysical properties (such as structural, functional, and spatial information, amino acid conservation, physicochemical variation, residue mobility, and thermodynamic stability) indicates that this missense variant is not expected to disrupt KAT6B protein function with a negative predictive value of 80%. In summary, the available evidence is currently insufficient to determine the role of this variant in disease. Therefore, it has been classified as a Variant of Uncertain Significance.

Fulgent Genetics
Classification: Uncertain significance for Blepharophimosis - intellectual disability syndrome, SBBYS type; Genitopatellar syndrome. Last evaluated: 2024-01-15. Review status: criteria provided, single submitter. Criteria: ACMG Guidelines, 2015. Collection method: clinical testing. Allele origin: germline.

ARUP Laboratories, Molecular Genetics and Genomics, ARUP Laboratories
Classification: Uncertain significance. Last evaluated: 2017-03-10. Review status: criteria provided, single submitter. Criteria: ARUP Molecular Germline Variant Investigation Process. Collection method: clinical testing. Allele origin: germline.